The following is an entry in ClinVar:

NM_001447.3(FAT2):c.5415_5437del (p.Leu1805fs)

Genes: FAT2 (FAT atypical cadherin 2; minus strand), SLC36A1 (solute carrier family 36 member 1; plus strand). Cytogenetic location: 5q33.1.
Variant type: Deletion.
Coding change: c.5415_5437del on transcript NM_001447.3 (MANE Select); coding-DNA positions 5415 to 5437, 23 bases deleted (GGAGCCGGAGGCCTTGAAGTTTT).
Protein change: p.Leu1805fs; shifts the reading frame from leucine 1805.
Molecular consequence: frameshift variant.
Genome position (GRCh38, 1-based): chr5:151,545,690-151,545,712, AAAACTTCAAGGCCTCCGGCTCC deleted on the plus strand (GGAGCCGGAGGCCTTGAAGTTTT on the coding strand, the reverse complement: FAT2 is on the minus strand); deleting any 23 consecutive bases within chr5:151,545,690-151,545,716 gives the same sequence; the c. name uses the placement nearest the transcript's 3' end. VCF-style (leftmost placement, unchanged base first): chr5-151545689-AAAAACTTCAAGGCCTCCGGCTCC-A. GRCh37 (hg19) VCF-style: chr5-150925250-AAAAACTTCAAGGCCTCCGGCTCC-A.
Other names: short protein forms L1805fs.
Identifiers: ClinVar variation 4884137 (VCV004884137.2).

ClinVar aggregate classification (germline): Uncertain significance (1 of 4 stars; one submission).

Submission:

Dasa
Classification: Uncertain significance. Last evaluated: 2024-10-08. Review status: criteria provided, single submitter. Criteria: DASA Assertion Criteria. Collection method: clinical testing. Allele origin: germline.
Comment: NM_001447.3(FAT2):c.5415_5437del (p.Leu1805Phefs*4) is a frameshift variant in FAT2 predicted to alter the reading frame and introduce a premature termination codon. This variant is rare in population databases. The currently available literature and clinical evidence are not sufficient to establish a definitive association between this variant and the reported condition. Therefore, this variant is classified as a variant of uncertain significance.